The following is an entry in ClinVar:

ClinVar aggregate classification (germline): Likely benign. Review status: criteria provided, multiple submitters, no conflicts (2 of 4 stars). 3 submissions from 3 submitters: Likely benign (3). Last evaluated 2025-10-20.

Conditions:
Greig cephalopolysyndactyly syndrome (GCPS). Also called: Greig syndrome; POLYSYNDACTYLY WITH PECULIAR SKULL SHAPE; GLI3-Related Greig Cephalopolysyndactyly Syndrome. Identifiers: Orphanet 380, MedGen C0265306, MONDO:0008287, OMIM 175700.
Pallister-Hall syndrome (PHS). Also called: GLI3-Related Pallister-Hall Syndrome; HYPOTHALAMIC HAMARTOBLASTOMA, HYPOPITUITARISM, IMPERFORATE ANUS, AND POSTAXIAL POLYDACTYLY. Identifiers: Orphanet 672, MedGen C0265220, MONDO:0007804, OMIM 146510.

Allele frequency attached by ClinVar (database versions not stated): gnomAD 0.00001 and 0.00002; gnomAD exomes 0.00002 and 0.00004; TOPMed 0.00003; ExAC 0.00005.
gnomAD v4.1: 34 of 1,614,022 alleles (0.0021%); highest among the groups gnomAD compares: Middle Eastern, 0.15%; no homozygotes.

Submissions (3):

Labcorp Genetics (formerly Invitae), Labcorp
Classification: Likely benign for Pallister-Hall syndrome; Greig cephalopolysyndactyly syndrome. Last evaluated: 2025-10-20. Review status: criteria provided, single submitter. Criteria: Invitae Variant Classification Sherloc (09022015). Collection method: clinical testing. Allele origin: germline.

Blueprint Genetics
Classification: Likely benign. Last evaluated: 2024-03-11. Review status: criteria provided, single submitter. Criteria: ACMG Guidelines, 2015. Collection method: clinical testing. Allele origin: germline.

GeneDx
Classification: Likely benign. Last evaluated: 2015-12-08. Review status: criteria provided, single submitter. Criteria: GeneDx Variant Classification (06012015). Collection method: clinical testing. Allele origin: germline. Affected: yes.
Comment: This variant is considered likely benign or benign based on one or more of the following criteria: it is a conservative change, it occurs at a poorly conserved position in the protein, it is predicted to be benign by multiple in silico algorithms, and/or has population frequency not consistent with disease.

NM_000168.6(GLI3):c.1287G>A (p.Pro429=)

Gene: GLI3 (GLI family zinc finger 3; minus strand). Cytogenetic location: 7p14.1.
Variant type: single nucleotide variant.
Coding change: c.1287G>A on transcript NM_000168.6 (MANE Select); coding-DNA position 1287, G replaced by A.
Protein change: p.Pro429=; no amino-acid change (proline 429 retained).
Molecular consequence: synonymous variant.
Genome position (GRCh38, 1-based): chr7:42,025,333, C>T on the plus strand (G>A on the coding strand, the complement: GLI3 is on the minus strand). VCF-style: chr7-42025333-C-T. GRCh37 (hg19) VCF-style: chr7-42064932-C-T.
Identifiers: ClinVar variation 381813 (VCV000381813.7), dbSNP rs760816574, ClinGen allele CA4230896.